The following is an entry in ClinVar:

NM_198880.3(QRICH1):c.1597C>T (p.Arg533Trp)

Gene: QRICH1 (glutamine rich 1; minus strand). Cytogenetic location: 3p21.31.
Variant type: single nucleotide variant.
Coding change: c.1597C>T on transcript NM_198880.3 (MANE Select); coding-DNA position 1597, C replaced by T.
Protein change: p.Arg533Trp; replaces arginine 533 with tryptophan.
Molecular consequence: missense variant.
Genome position (GRCh38, 1-based): chr3:49,046,499, G>A on the plus strand (C>T on the coding strand, the complement: QRICH1 is on the minus strand). VCF-style: chr3-49046499-G-A. GRCh37 (hg19) VCF-style: chr3-49083932-G-A.
Other names: c.1597C>T, p.Arg533Trp (NM_001320580.2, NM_001320581.2, NM_001320582.2 and 4 more transcripts); short protein forms R533W.
Identifiers: ClinVar variation 3349562 (VCV003349562.1).
Genomic context (GRCh38, chr3:49,046,499, plus strand): 5'-GGAAAATATAGTAGAGCACATCTGGGTCATAGGGTTCACCTTCTCCATTTCGAGCTTCCC[G>A]TGTCATTAGACAGAGCCCATAATTCAACTCTGCCACAGCAGAGGAGATGAGATCTTCCTG-3'
Protein context (NP_942581.1, residues 523-543): ELNYGLCLMT[Arg533Trp]EARNGEGEPY

ClinVar aggregate classification (germline): Uncertain significance (0 of 4 stars; one submission).

Conditions:
QRICH1-related disorder. Also called: QRICH1-related condition.

gnomAD v4.1: 2 of 1,613,932 alleles (0.00012%); highest among the groups gnomAD compares: African/African-American, 0.0013%; no homozygotes.

Submission:

PreventionGenetics, part of Exact Sciences
Classification: Uncertain significance for QRICH1-related condition. Last evaluated: 2024-05-01. Review status: no assertion criteria provided. Collection method: clinical testing. Allele origin: germline.
Comment: The QRICH1 c.1597C>T variant is predicted to result in the amino acid substitution p.Arg533Trp. To our knowledge, this variant has not been reported in the literature or in a large population database, indicating this variant is rare. At this time, the clinical significance of this variant is uncertain due to the absence of conclusive functional and genetic evidence.